The following is an entry in ClinVar:

ClinVar aggregate classification (germline): Likely pathogenic (1 of 4 stars; one submission).

Conditions:
Severe myoclonic epilepsy in infancy (DRVT). Also called: Dravet syndrome; Epileptic encephalopathy, early infantile, 6 (Dravet syndrome); SEVERE MYOCLONIC EPILEPSY OF INFANCY; DEVELOPMENTAL AND EPILEPTIC ENCEPHALOPATHY 6A; Severe Myoclonic Epilepsy in Infancy (SMEI). Identifiers: Orphanet 33069, MedGen C0751122, MONDO:0100135, OMIM 607208.

Submission:

3billion
Classification: Likely pathogenic for Severe myoclonic epilepsy in infancy. Last evaluated: 2023-06-27. Review status: criteria provided, single submitter. Criteria: ACMG Guidelines, 2015. Collection method: clinical testing. Allele origin: germline. Affected: yes.
Comment: The variant is not observed in the gnomAD v2.1.1 dataset. Predicted Consequence/Location: Canonical splice site: predicted to alter splicing and result in a loss or disruption of normal protein function. Multiple pathogenic loss-of-function variants are reported downstream of the variant. Therefore, this variant is classified as Likely pathogenic according to the recommendation of ACMG/AMP guideline.

NM_001165963.4(SCN1A):c.4003-2A>G

Genes: SCN1A (sodium voltage-gated channel alpha subunit 1; minus strand), LOC102724058 (uncharacterized LOC102724058; plus strand). Cytogenetic location: 2q24.3.
Variant type: single nucleotide variant.
Coding change: c.4003-2A>G on transcript NM_001165963.4 (MANE Select); the canonical splice acceptor site of the intron before coding-DNA position 4003, A replaced by G.
Molecular consequence: splice acceptor variant.
Genome position (GRCh38, 1-based): chr2:166,002,755, T>C on the plus strand (A>G on the coding strand, the complement: SCN1A is on the minus strand). VCF-style: chr2-166002755-T-C. GRCh37 (hg19) VCF-style: chr2-166859265-T-C.
Other names: c.3970-2A>G (NM_001353949.2, NM_001353950.2, NM_001353951.2 and 2 more transcripts); c.3919-2A>G (NM_001353958.2, NM_001353957.2, NM_001165964.3); c.4003-2A>G (NM_001202435.3, NM_001353948.2); c.3967-2A>G (NM_001353955.2, NM_001353954.2); c.3916-2A>G (NM_001353960.2); c.1561-2A>G (NM_001353961.2).
Identifiers: ClinVar variation 3775239 (VCV003775239.1).